The following is an entry in ClinVar:

NM_138691.3(TMC1):c.1584A>G (p.Thr528=)

Gene: TMC1 (transmembrane channel like 1; plus strand). Cytogenetic location: 9q21.13.
Variant type: single nucleotide variant.
Coding change: c.1584A>G on transcript NM_138691.3 (MANE Select); coding-DNA position 1584, A replaced by G.
Protein change: p.Thr528=; no amino-acid change (threonine 528 retained).
Molecular consequence: synonymous variant.
Genome position (GRCh38, 1-based): chr9:72,805,399, A>G. VCF-style: chr9-72805399-A-G. GRCh37 (hg19) VCF-style: chr9-75420315-A-G.
Identifiers: ClinVar variation 367257 (VCV000367257.10), dbSNP rs762248733, ClinGen allele CA10633931.

ClinVar aggregate classification (germline): Conflicting classifications of pathogenicity. Review status: criteria provided, conflicting classifications (1 of 4 stars). 4 submissions from 3 submitters: Uncertain significance (2); Likely benign (1). 1 of the submissions does not count toward it. Last evaluated 2024-02-08.

Conditions:
TMC1-related disorder. Also called: TMC1-related disorders; TMC1-related condition.
Autosomal dominant nonsyndromic hearing loss 36. Identifiers: Orphanet 90635, MedGen C1847626, MONDO:0011708, OMIM 606705.
Autosomal recessive nonsyndromic hearing loss 7. Also called: DEAFNESS, AUTOSOMAL RECESSIVE 11. Identifiers: Orphanet 90636, MedGen C1832978, MONDO:0010967, OMIM 600974.

Allele frequency attached by ClinVar (database versions not stated): gnomAD 0.00002; TOPMed 0.00004.
gnomAD v4.1: 46 of 1,613,886 alleles (0.0029%); highest among the groups gnomAD compares: Admixed American, 0.012%; no homozygotes.

Submissions (4):

Labcorp Genetics (formerly Invitae), Labcorp
Classification: Likely benign. Last evaluated: 2024-02-08. Review status: criteria provided, single submitter. Criteria: Invitae Variant Classification Sherloc (09022015). Collection method: clinical testing. Allele origin: germline.

Illumina Laboratory Services, Illumina
Classification: Uncertain significance for Autosomal recessive nonsyndromic hearing loss 7. Last evaluated: 2018-01-12. Review status: criteria provided, single submitter. Criteria: ICSL Variant Classification Criteria 13 December 2019. Collection method: clinical testing. Allele origin: germline.

Illumina Laboratory Services, Illumina
Classification: Uncertain significance for Autosomal dominant nonsyndromic hearing loss 36. Last evaluated: 2018-01-12. Review status: criteria provided, single submitter. Criteria: ICSL Variant Classification Criteria 13 December 2019. Collection method: clinical testing. Allele origin: germline.

PreventionGenetics, part of Exact Sciences
Classification: Likely benign for TMC1-related condition. Last evaluated: 2019-03-27. Review status: no assertion criteria provided. Collection method: clinical testing. Allele origin: germline. Not counted in ClinVar's aggregate classification.
Comment: This variant is classified as likely benign based on ACMG/AMP sequence variant interpretation guidelines (Richards et al. 2015 PMID: 25741868, with internal and published modifications).